The following is an entry in ClinVar:

NM_000135.4(FANCA):c.146G>C (p.Arg49Pro)

Gene: FANCA (FA complementation group A; minus strand). Cytogenetic location: 16q24.3.
Variant type: single nucleotide variant.
Coding change: c.146G>C on transcript NM_000135.4 (MANE Select); coding-DNA position 146, G replaced by C.
Protein change: p.Arg49Pro; replaces arginine 49 with proline.
Molecular consequence: missense variant.
Genome position (GRCh38, 1-based): chr16:89,815,920, C>G on the plus strand (G>C on the coding strand, the complement: FANCA is on the minus strand). VCF-style: chr16-89815920-C-G. GRCh37 (hg19) VCF-style: chr16-89882328-C-G.
Other names: c.146G>C, p.Arg49Pro (NM_001018112.3, NM_001286167.3, NM_001351830.2); short protein forms R49P.
Identifiers: ClinVar variation 4022352 (VCV004022352.1).
Genomic context (GRCh38, chr16:89,815,920, plus strand): 5'-CACCAGCTTCCTCTTACCTCAAGCAAAAGGGCATTCAGGTCCTGATGGCTTCGCAGGAGG[C>G]GCACAGCTGATTCCTTTAATTTCTGTGCCCTTTCAGGATTATATTTTTCCCTCTTGACCC-3'
Protein context (NP_000126.2, residues 39-59): RAQKLKESAV[Arg49Pro]LLRSHQDLNA

ClinVar aggregate classification (germline): Uncertain significance (1 of 4 stars; one submission).

Conditions:
Inborn genetic diseases. Identifiers: MedGen C0950123, MeSH D030342.

Submission:

Ambry Genetics
Classification: Uncertain significance for Inborn genetic diseases. Last evaluated: 2025-06-07. Review status: criteria provided, single submitter. Criteria: Ambry Variant Classification Scheme 2023. Collection method: clinical testing. Allele origin: germline.
Comment: The p.R49P variant (also known as c.146G>C), located in coding exon 2 of the FANCA gene, results from a G to C substitution at nucleotide position 146. The arginine at codon 49 is replaced by proline, an amino acid with dissimilar properties. This amino acid position is conserved. In addition, this alteration is predicted to be tolerated by in silico analysis. Based on the available evidence, the clinical significance of this variant remains unclear.